The following is an entry in ClinVar:

NM_019842.4(KCNQ5):c.518del (p.Leu173fs)

Gene: KCNQ5 (potassium voltage-gated channel subfamily Q member 5; plus strand). Cytogenetic location: 6q13.
Variant type: Deletion.
Coding change: c.518del on transcript NM_019842.4 (MANE Select); coding-DNA position 518, one base deleted (T; older notation c.518delT).
Protein change: p.Leu173fs; shifts the reading frame from leucine 173.
Molecular consequence: frameshift variant.
Genome position (GRCh38, 1-based): chr6:73,041,964, T deleted; the last of 3 consecutive T bases (chr6:73,041,962-73,041,964); deleting any one gives the same sequence. VCF-style (leftmost placement, unchanged base first): chr6-73041961-GT-G. GRCh37 (hg19) VCF-style: chr6-73751684-GT-G.
Other names: c.518del, p.Leu173fs (NM_001160133.2, NM_001160134.2, NM_001160130.2 and 1 more transcripts); short protein forms L173fs.
Identifiers: ClinVar variation 4536383 (VCV004536383.1).

ClinVar aggregate classification (germline): Uncertain significance (1 of 4 stars; one submission).

Submission:

GeneDx
Classification: Uncertain significance. Last evaluated: 2025-06-03. Review status: criteria provided, single submitter. Criteria: GeneDx Variant Classification Process June 2021. Collection method: clinical testing. Allele origin: germline. Affected: yes.
Comment: Frameshift variant predicted to result in protein truncation or nonsense mediated decay in a gene or region of a gene for which loss of function is not a well-established mechanism of disease; Not observed at significant frequency in large population cohorts (gnomAD); Has not been previously published as pathogenic or benign to our knowledge